The following is an entry in ClinVar:

NM_173630.4(RTTN):c.3810G>A (p.Met1270Ile)

Gene: RTTN (rotatin; minus strand). Cytogenetic location: 18q22.2.
Variant type: single nucleotide variant.
Coding change: c.3810G>A on transcript NM_173630.4 (MANE Select); coding-DNA position 3810, G replaced by A.
Protein change: p.Met1270Ile; replaces methionine 1270 with isoleucine.
Molecular consequence: missense variant.
Genome position (GRCh38, 1-based): chr18:70,109,591, C>T on the plus strand (G>A on the coding strand, the complement: RTTN is on the minus strand). VCF-style: chr18-70109591-C-T. GRCh37 (hg19) VCF-style: chr18-67776827-C-T.
Other names: c.1074G>A, p.Met358Ile (NM_001318520.2); short protein forms M1270I, M358I.
Identifiers: ClinVar variation 1218934 (VCV001218934.6), dbSNP rs773411890, ClinGen allele CA8995488.

ClinVar aggregate classification (germline): Uncertain significance. Review status: criteria provided, multiple submitters, no conflicts (2 of 4 stars). 2 submissions from 2 submitters: Uncertain significance (2). Last evaluated 2022-06-13.

Allele frequency attached by ClinVar (database versions not stated): gnomAD 0.00001; gnomAD exomes 0.00001 and 0.00003; ExAC 0.00002; TOPMed 0.00002.

Submissions (2):

Labcorp Genetics (formerly Invitae), Labcorp
Classification: Uncertain significance. Last evaluated: 2022-06-13. Review status: criteria provided, single submitter. Criteria: Invitae Variant Classification Sherloc (09022015). Collection method: clinical testing. Allele origin: germline.
Comment: ClinVar contains an entry for this variant (Variation ID: 1218934). In summary, the available evidence is currently insufficient to determine the role of this variant in disease. Therefore, it has been classified as a Variant of Uncertain Significance. Algorithms developed to predict the effect of missense changes on protein structure and function are either unavailable or do not agree on the potential impact of this missense change (SIFT: "Tolerated"; PolyPhen-2: "Probably Damaging"; Align-GVGD: "Class C0"). This variant has not been reported in the literature in individuals affected with RTTN-related conditions. This variant is present in population databases (rs773411890, gnomAD 0.02%). This sequence change replaces methionine, which is neutral and non-polar, with isoleucine, which is neutral and non-polar, at codon 1270 of the RTTN protein (p.Met1270Ile).

GeneDx
Classification: Uncertain significance. Last evaluated: 2021-06-21. Review status: criteria provided, single submitter. Criteria: GeneDx Variant Classification Process June 2021. Collection method: clinical testing. Allele origin: germline. Affected: yes.